The following is an entry in ClinVar:

NM_032043.3(BRIP1):c.356A>G (p.Asn119Ser)

Gene: BRIP1 (BRCA1 interacting DNA helicase 1; minus strand). Cytogenetic location: 17q23.2.
Variant type: single nucleotide variant.
Coding change: c.356A>G on transcript NM_032043.3 (MANE Select); coding-DNA position 356, A replaced by G.
Protein change: p.Asn119Ser; replaces asparagine 119 with serine.
Molecular consequence: missense variant.
Genome position (GRCh38, 1-based): chr17:61,857,081, T>C on the plus strand (A>G on the coding strand, the complement: BRIP1 is on the minus strand). VCF-style: chr17-61857081-T-C. GRCh37 (hg19) VCF-style: chr17-59934442-T-C.
Other names: short protein forms N119S.
Identifiers: ClinVar variation 461157 (VCV000461157.27), dbSNP rs889877039, ClinGen allele CA292280535.

ClinVar aggregate classification (germline): Conflicting classifications of pathogenicity. Review status: criteria provided, conflicting classifications (1 of 4 stars). 8 submissions from 8 submitters: Uncertain significance (7); Likely benign (1). Last evaluated 2026-08-11.

Conditions:
Familial cancer of breast. Also called: Hereditary breast cancer; hereditary breast carcinoma; BREAST CANCER, FAMILIAL. Identifiers: Orphanet 227535, MedGen C0346153, MONDO:0016419, OMIM 114480. Disease mechanism: loss of function.
Fanconi anemia complementation group J. Also called: BRIP1-Related Fanconi Anemia. Identifiers: Orphanet 84, MedGen C1836860, MONDO:0012187, OMIM 609054.
Hereditary cancer-predisposing syndrome. Also called: Hereditary neoplastic syndrome; Tumor predisposition; Neoplastic Syndromes, Hereditary; Hereditary Cancer Syndrome. Identifiers: Orphanet 140162, MedGen C0027672, MeSH D009386, MONDO:0015356.
Hereditary breast ovarian cancer syndrome. Also called: Hereditary breast and ovarian cancer syndrome (HBOC); Hereditary breast and/or ovarian cancer syndrome; Breast and ovarian cancer; Hereditary breast and ovarian cancer syndrome; Hereditary breast and ovarian cancer; BRCA1- and BRCA2-Associated Hereditary Breast and Ovarian Cancer. Identifiers: Orphanet 145, MedGen C0677776, MeSH D061325, MONDO:0003582. Disease mechanism: loss of function.

Allele frequency attached by ClinVar (database versions not stated): gnomAD exomes 0.00001; TOPMed 0.00002.
gnomAD v4.1: 8 of 1,614,108 alleles (0.0005%); highest among the groups gnomAD compares: Non-Finnish European, 0.00059%; no homozygotes.

Submissions (8):

German Consortium for Hereditary Breast and Ovarian Cancer, University Hospital Cologne
Classification: Uncertain significance for Hereditary breast ovarian cancer syndrome. Last evaluated: 2026-08-11. Review status: criteria provided, single submitter. Criteria: ACMG SVI. Collection method: curation. Allele origin: germline.
Comment: This classification follows the ACMG SVI adaptation classification scheme; We chose these criteria: PM2 (supporting pathogenic): gnomAd v4.1.1 MAF = 0.0000049 (= 0.0005%), BP4 (supporting benign): REVEL = 0.024

Ambry Genetics
Classification: Likely benign for Hereditary cancer-predisposing syndrome. Last evaluated: 2025-03-25. Review status: criteria provided, single submitter. Criteria: Ambry Variant Classification Scheme 2023. Collection method: clinical testing. Allele origin: germline.

Color Diagnostics, LLC DBA Color Health
Classification: Uncertain significance for Hereditary cancer-predisposing syndrome. Last evaluated: 2025-03-11. Review status: criteria provided, single submitter. Criteria: ACMG Guidelines, 2015. Collection method: clinical testing. Allele origin: germline.
Comment: This missense variant replaces asparagine with serine at codon 119 of the BRIP1 protein. Computational prediction suggests that this variant may not impact protein structure and function. To our knowledge, functional studies have not been reported for this variant. This variant has been reported in individuals affected with breast cancer (PMID: 32957588, 33471991). This variant has not been identified in the general population by the Genome Aggregation Database (gnomAD). The available evidence is insufficient to determine the role of this variant in disease conclusively. Therefore, this variant is classified as a Variant of Uncertain Significance.

Labcorp Genetics (formerly Invitae), Labcorp
Classification: Uncertain significance for Familial cancer of breast; Fanconi anemia complementation group J. Last evaluated: 2024-12-02. Review status: criteria provided, single submitter. Criteria: Invitae Variant Classification Sherloc (09022015). Collection method: clinical testing. Allele origin: germline.
Comment: This sequence change replaces asparagine, which is neutral and polar, with serine, which is neutral and polar, at codon 119 of the BRIP1 protein (p.Asn119Ser). This variant is not present in population databases (gnomAD no frequency). This missense change has been observed in individual(s) with breast cancer and/or ovarian cancer (PMID: 31822495, 32957588). ClinVar contains an entry for this variant (Variation ID: 461157). Invitae Evidence Modeling of protein sequence and biophysical properties (such as structural, functional, and spatial information, amino acid conservation, physicochemical variation, residue mobility, and thermodynamic stability) indicates that this missense variant is not expected to disrupt BRIP1 protein function with a negative predictive value of 95%. In summary, the available evidence is currently insufficient to determine the role of this variant in disease. Therefore, it has been classified as a Variant of Uncertain Significance.

Fulgent Genetics
Classification: Uncertain significance for Familial cancer of breast; Fanconi anemia complementation group J. Last evaluated: 2024-04-16. Review status: criteria provided, single submitter. Criteria: ACMG Guidelines, 2015. Collection method: clinical testing. Allele origin: germline.

Women's Health and Genetics/Laboratory Corporation of America, LabCorp
Classification: Uncertain significance. Last evaluated: 2024-01-05. Review status: criteria provided, single submitter. Criteria: LabCorp Variant Classification Summary - May 2015. Collection method: clinical testing. Allele origin: germline.
Comment: Variant summary: BRIP1 c.356A>G (p.Asn119Ser) results in a conservative amino acid change located in the Helicase-like, DEXD box c2 type (IPR006554) of the encoded protein sequence. Five of five in-silico tools predict a benign effect of the variant on protein function. The variant was absent in 251410 control chromosomes. The available data on variant occurrences in the general population are insufficient to allow any conclusion about variant significance. c.356A>G has been reported in the literature in unspecified individuals with personal and/or family history of Breast Cancer, Ovarian Cancer, and/or Pancreatic Cancer, without strong evidence for causality (Germani_2020, Moyer_2020). In a large study evaluating breast cancer cases and controls in the Breast Cancer Association Consortium (BCAC), the variant was reported in 1/60466 cases, but was also found in 2/53461 controls (Dorling_2021 through LOVD). TThese report(s) do not provide unequivocal conclusions about association of the variant with Breast Cancer. To our knowledge, no experimental evidence demonstrating an impact on protein function has been reported. The following publications have been ascertained in the context of this evaluation (PMID: 33471991, 32957588, 31822495). ClinVar contains an entry for this variant (Variation ID: 461157, all VUS). Based on the evidence outlined above, the variant was classified as uncertain significance.

Institute of Human Genetics, University of Leipzig Medical Center
Classification: Uncertain significance for Familial cancer of breast. Last evaluated: 2019-01-01. Review status: criteria provided, single submitter. Criteria: ACMG Guidelines, 2015. Collection method: clinical testing. Allele origin: unknown. Affected: yes.

Quest Diagnostics Nichols Institute San Juan Capistrano
Classification: Uncertain significance. Last evaluated: 2018-11-23. Review status: criteria provided, single submitter. Criteria: Quest Diagnostics criteria. Collection method: clinical testing. Allele origin: germline.

Literature cited by the submitters: PubMed 32957588 (cited by 4 submitters); PubMed 33471991 (cited by Color Diagnostics, LLC DBA Color Health and Women's Health and Genetics/Laboratory Corporation of America, LabCorp); PubMed 31822495 (cited by Labcorp Genetics (formerly Invitae), Labcorp and Women's Health and Genetics/Laboratory Corporation of America, LabCorp).